The following is an entry in ClinVar:

ClinVar aggregate classification (germline): Likely benign (1 of 4 stars; one submission).

Conditions:
NONO-related disorder. Also called: NONO-related condition.

gnomAD v4.1: 7 of 1,209,033 alleles (0.00058%); highest among the groups gnomAD compares: Non-Finnish European, 0.00078%; no homozygotes.

Submission:

PreventionGenetics, part of Exact Sciences
Classification: Likely benign for NONO-related condition. Last evaluated: 2025-11-07. Review status: criteria provided, single submitter. Criteria: ACMG Guidelines, 2015. Collection method: clinical testing. Allele origin: germline.
Comment: This variant is classified as likely benign based on ACMG/AMP sequence variant interpretation guidelines (Richards et al. 2015 PMID: 25741868, with internal and published modifications).

NM_007363.5(NONO):c.1132-8T>C

Gene: NONO (non-POU domain containing octamer binding; plus strand). Cytogenetic location: Xq13.1.
Variant type: single nucleotide variant.
Coding change: c.1132-8T>C on transcript NM_007363.5 (MANE Select); 8 bases into the intron before coding-DNA position 1132, T replaced by C.
Molecular consequence: intron variant.
Genome position (GRCh38, 1-based): chrX:71,298,461, T>C. VCF-style: chrX-71298461-T-C. GRCh37 (hg19) VCF-style: chrX-70518311-T-C.
Other names: c.1132-8T>C (NM_001145408.2, NM_001145409.2); c.865-8T>C (NM_001145410.2).
Identifiers: ClinVar variation 4993528 (VCV004993528.1).
Genomic context (GRCh38, chrX:71,298,461, plus strand): 5'-GGTCCTTGATGGATTGTGGTAGAATGCACTGCTGTCTTGGACTGTCTTGAGTATTTTTTG[T>C]TTTTCAGAGAGAGCAGGAGATTCGGATGGGTCAGATGGCTATGGGAGGTAAGGACTTAGG-3'